The following is an entry in ClinVar:

NM_001130987.2(DYSF):c.6100A>C (p.Ser2034Arg)

Gene: DYSF (dysferlin; plus strand). Cytogenetic location: 2p13.2.
Variant type: single nucleotide variant.
Coding change: c.6100A>C on transcript NM_001130987.2 (MANE Select); coding-DNA position 6100, A replaced by C.
Protein change: p.Ser2034Arg; replaces serine 2034 with arginine.
Molecular consequence: missense variant.
Genome position (GRCh38, 1-based): chr2:71,681,037, A>C. VCF-style: chr2-71681037-A-C. GRCh37 (hg19) VCF-style: chr2-71908167-A-C.
Other names: c.5986A>C, p.Ser1996Arg (NM_001130455.2); c.5941A>C, p.Ser1981Arg (NM_001130976.2); c.6004A>C, p.Ser2002Arg (NM_001130977.2); c.6046A>C, p.Ser2016Arg (NM_001130978.2); c.6076A>C, p.Ser2026Arg (NM_001130979.2); c.6034A>C, p.Ser2012Arg (NM_001130980.2); c.6097A>C, p.Ser2033Arg (NM_001130981.2); c.6079A>C, p.Ser2027Arg (NM_001130982.2); and 5 more; short protein forms S1995R, S2034R, S2012R, S1981R, S1982R, S1996R, S2016R, S2017R.
Identifiers: ClinVar variation 288412 (VCV000288412.26), dbSNP rs201890095, ClinGen allele CA1707595.

ClinVar aggregate classification (germline): Conflicting classifications of pathogenicity. Review status: criteria provided, conflicting classifications (1 of 4 stars). 6 submissions from 6 submitters: Uncertain significance (5); Likely benign (1). Last evaluated 2026-01-28.

Conditions:
Neuromuscular disease caused by qualitative or quantitative defects of dysferlin. Also called: Dysferlinopathy; Qualitative or quantitative defects of dysferlin. Identifiers: Orphanet 207073, MedGen C2931687, MONDO:0016145.
Autosomal recessive limb-girdle muscular dystrophy. Identifiers: Orphanet 102015, MedGen C2931907, MONDO:0015152.

Allele frequency attached by ClinVar (database versions not stated): gnomAD 0.00009; TOPMed 0.00015; 1000 Genomes Project 0.00020; ExAC 0.00021; gnomAD exomes 0.00025; 1000 Genomes Project 30x 0.00031.
gnomAD v4.1: 72 of 1,614,172 alleles (0.0045%); highest among the groups gnomAD compares: East Asian, 0.15%; no homozygotes.

Submissions (6):

Labcorp Genetics (formerly Invitae), Labcorp
Classification: Likely benign for Neuromuscular disease caused by qualitative or quantitative defects of dysferlin. Last evaluated: 2026-01-28. Review status: criteria provided, single submitter. Criteria: Invitae Variant Classification Sherloc (09022015). Collection method: clinical testing. Allele origin: germline.

Myriad Genetics, Inc.
Classification: Uncertain significance for Autosomal recessive limb-girdle muscular dystrophy. Last evaluated: 2025-08-14. Review status: criteria provided, single submitter. Criteria: Myriad Autosomal Dominant, Autosomal Recessive and X-Linked Classification Criteria (2023). Collection method: clinical testing. Allele origin: unknown.
Comment: NM_003494.3(DYSF):c.5983A>C(S1995R) is a missense variant classified as a variant of uncertain significance in the context of dysferlinopathy. S1995R has been observed in a case with relevant disease (PMID: 39678382). Relevant functional assessments of this variant are not available in the literature. S1995R has been observed in referenced population frequency databases. In summary, there is insufficient evidence to classify NM_003494.3(DYSF):c.5983A>C(S1995R) as pathogenic or benign. Please note: this variant was assessed in the context of healthy population screening.

Revvity Omics, Revvity
Classification: Uncertain significance. Last evaluated: 2023-08-29. Review status: criteria provided, single submitter. Criteria: ACMG Guidelines, 2015. Collection method: clinical testing. Allele origin: germline.

Athena Diagnostics
Classification: Uncertain significance. Last evaluated: 2019-06-27. Review status: criteria provided, single submitter. Criteria: Athena Diagnostics Criteria. Collection method: clinical testing. Allele origin: germline.

Illumina Laboratory Services, Illumina
Classification: Uncertain significance for Qualitative or quantitative defects of dysferlin. Last evaluated: 2018-01-13. Review status: criteria provided, single submitter. Criteria: ICSL Variant Classification Criteria 13 December 2019. Collection method: clinical testing. Allele origin: germline.

Eurofins Ntd Llc (ga)
Classification: Uncertain significance. Last evaluated: 2016-06-01. Review status: criteria provided, single submitter. Criteria: EGL Classification Definitions 2015. Collection method: clinical testing. Allele origin: germline. Observed: 1 variant allele, 1 heterozygote.

Literature cited by the submitters: PubMed 39678382 (cited by Myriad Genetics, Inc.).